The following is an entry in ClinVar:

ClinVar aggregate classification (germline): Uncertain significance (1 of 4 stars; one submission).

Conditions:
Hereditary breast ovarian cancer syndrome. Also called: Hereditary breast and ovarian cancer; BRCA1- and BRCA2-Associated Hereditary Breast and Ovarian Cancer; Hereditary breast and ovarian cancer syndrome; Breast and ovarian cancer; Hereditary breast and ovarian cancer syndrome (HBOC); Hereditary breast and/or ovarian cancer syndrome. Identifiers: Orphanet 145, MedGen C0677776, MeSH D061325, MONDO:0003582. Disease mechanism: loss of function.

Allele frequency attached by ClinVar (database versions not stated): gnomAD exomes below 0.00001.
gnomAD v4.1: 1 of 1,609,512 alleles (0.000062%); highest among the groups gnomAD compares: Non-Finnish European, 0.000085%; no homozygotes.

Submission:

Labcorp Genetics (formerly Invitae), Labcorp
Classification: Uncertain significance for Hereditary breast ovarian cancer syndrome. Last evaluated: 2022-11-23. Review status: criteria provided, single submitter. Criteria: Invitae Variant Classification Sherloc (09022015). Collection method: clinical testing. Allele origin: germline.
Comment: This sequence change replaces arginine, which is basic and polar, with glycine, which is neutral and non-polar, at codon 847 of the BRCA2 protein (p.Arg847Gly). This variant is not present in population databases (gnomAD no frequency). This variant has not been reported in the literature in individuals affected with BRCA2-related conditions. Advanced modeling of protein sequence and biophysical properties (such as structural, functional, and spatial information, amino acid conservation, physicochemical variation, residue mobility, and thermodynamic stability) performed at Invitae indicates that this missense variant is not expected to disrupt BRCA2 protein function. In summary, the available evidence is currently insufficient to determine the role of this variant in disease. Therefore, it has been classified as a Variant of Uncertain Significance.

NM_000059.4(BRCA2):c.2539A>G (p.Arg847Gly)

Gene: BRCA2 (BRCA2 DNA repair associated; plus strand). Cytogenetic location: 13q13.1.
Variant type: single nucleotide variant.
Coding change: c.2539A>G on transcript NM_000059.4 (MANE Select); coding-DNA position 2539, A replaced by G.
Protein change: p.Arg847Gly; replaces arginine 847 with glycine.
Molecular consequence: missense variant. On other transcripts: non-coding transcript variant (1), intron variant (2).
Genome position (GRCh38, 1-based): chr13:32,336,894, A>G. VCF-style: chr13-32336894-A-G. GRCh37 (hg19) VCF-style: chr13-32911031-A-G.
Other names: c.2539A>G, p.Arg847Gly (NM_001406719.1, NM_001406720.1); c.1909+3507A>G (NM_001406721.1); c.424+5864A>G (NM_001406722.1); short protein forms R847G.
Identifiers: ClinVar variation 2815933 (VCV002815933.3), dbSNP rs886040435, ClinGen allele CA387772499.